The following is an entry in ClinVar:

NM_138615.3(DHX30):c.1587C>T (p.Gly529=)

Gene: DHX30 (DExH-box helicase 30; plus strand). Cytogenetic location: 3p21.31.
Variant type: single nucleotide variant.
Coding change: c.1587C>T on transcript NM_138615.3 (MANE Select); coding-DNA position 1587, C replaced by T.
Protein change: p.Gly529=; no amino-acid change (glycine 529 retained).
Molecular consequence: synonymous variant.
Genome position (GRCh38, 1-based): chr3:47,846,659, C>T. VCF-style: chr3-47846659-C-T. GRCh37 (hg19) VCF-style: chr3-47888149-C-T.
Other names: c.1503C>T, p.Gly501= (NM_001330990.2); c.1470C>T, p.Gly490= (NM_014966.4).
Identifiers: ClinVar variation 3388254 (VCV003388254.14).

ClinVar aggregate classification (germline): Likely benign (1 of 4 stars; one submission).

Submission:

CeGaT Center for Human Genetics Tuebingen
Classification: Likely benign. Last evaluated: 2024-11-01. Review status: criteria provided, single submitter. Criteria: CeGaT Center For Human Genetics Tuebingen Variant Classification Criteria Version 2. Collection method: clinical testing. Allele origin: germline. Affected: yes. Observed: 1 variant allele.
Comment: DHX30: BP4, BP7